The following is an entry in ClinVar:

NM_002087.4(GRN):c.414G>C (p.Thr138=)

Gene: GRN (granulin precursor; plus strand). Cytogenetic location: 17q21.31.
Variant type: single nucleotide variant.
Coding change: c.414G>C on transcript NM_002087.4 (MANE Select); coding-DNA position 414, G replaced by C.
Protein change: p.Thr138=; no amino-acid change (threonine 138 retained).
Molecular consequence: synonymous variant.
Genome position (GRCh38, 1-based): chr17:44,350,292, G>C. VCF-style: chr17-44350292-G-C. GRCh37 (hg19) VCF-style: chr17-42427660-G-C.
Other names: p.Thr138=; c.414G>C (NM_002087.3).
Identifiers: ClinVar variation 1594987 (VCV001594987.11), dbSNP rs543344476, ClinGen allele CA8601877.

ClinVar aggregate classification (germline): Benign. Review status: criteria provided, multiple submitters, no conflicts (2 of 4 stars). 3 submissions from 3 submitters: Benign (2). 1 of the submissions does not count toward it. Last evaluated 2025-11-15.

Conditions:
GRN-related frontotemporal lobar degeneration with Tdp43 inclusions (FTD2). Also called: GRN Frontotemporal Dementia; FRONTOTEMPORAL DEMENTIA WITH TDP43 INCLUSIONS, GRN-RELATED; DEMENTIA, HEREDITARY DYSPHASIC DISINHIBITION; FRONTOTEMPORAL LOBAR DEGENERATION WITH UBIQUITIN-POSITIVE INCLUSIONS; FTLD-TDP, GRN-RELATED. Identifiers: Orphanet 100070, Orphanet 282, MedGen C1843792, MONDO:0011842, OMIM 607485. Disease mechanism: loss of function.
Neuronal ceroid lipofuscinosis 11. Also called: GRN-Related Neuronal Ceroid-Lipofuscinosis. Identifiers: Orphanet 314629, Orphanet 79262, MedGen C3539123, MONDO:0013866, OMIM 614706.
GRN-related disorder. Also called: GRN-related disorders; GRN-related condition.

Allele frequency attached by ClinVar (database versions not stated): 1000 Genomes Project 30x 0.00078; 1000 Genomes Project 0.00100.

Submissions (3):

Labcorp Genetics (formerly Invitae), Labcorp
Classification: Benign for Neuronal ceroid lipofuscinosis 11; GRN-related frontotemporal lobar degeneration with Tdp43 inclusions. Last evaluated: 2025-11-15. Review status: criteria provided, single submitter. Criteria: Invitae Variant Classification Sherloc (09022015). Collection method: clinical testing. Allele origin: germline.

Mayo Clinic Laboratories, Mayo Clinic
Classification: Benign. Last evaluated: 2025-06-27. Review status: criteria provided, single submitter. Criteria: ACMG Guidelines, 2015. Collection method: clinical testing. Allele origin: germline. Observed: 1 variant allele.
Comment: BS1, BS2, BP4, BP7

PreventionGenetics, part of Exact Sciences
Classification: Likely benign for GRN-related condition. Last evaluated: 2020-09-02. Review status: no assertion criteria provided. Collection method: clinical testing. Allele origin: germline. Not counted in ClinVar's aggregate classification.
Comment: This variant is classified as likely benign based on ACMG/AMP sequence variant interpretation guidelines (Richards et al. 2015 PMID: 25741868, with internal and published modifications).